The following is an entry in ClinVar:

ClinVar aggregate classification (germline): Pathogenic/Likely pathogenic. Review status: criteria provided, multiple submitters, no conflicts (2 of 4 stars). 4 submissions from 4 submitters: Pathogenic (2); Likely pathogenic (2). Last evaluated 2025-09-26.

Conditions:
Glycogen storage disease, type VII (GSD7). Also called: GSD VII; MUSCLE PHOSPHOFRUCTOKINASE DEFICIENCY; PFKM DEFICIENCY; TARUI DISEASE. Identifiers: Orphanet 371, MedGen C0017926, MONDO:0009295, OMIM 232800.

Allele frequency attached by ClinVar (database versions not stated): TOPMed 0.00001; gnomAD exomes below 0.00001.

Submissions (4):

Natera, Inc.
Classification: Likely pathogenic for Glycogen storage disease type VII. Last evaluated: 2025-09-26. Review status: criteria provided, single submitter. Criteria: Natera Variant Classification Schema (03/2026). Collection method: clinical testing. Allele origin: germline.
Comment: The c.115C>T variant in PFKM is a nonsense variant predicted to introduce a stop codon at amino acid 39. This variant is expected to result in nonsense mediated decay, truncation, or a dysfunctional protein product. This variant is rare in the general population with a frequency below the threshold expected for the associated phenotype(s). Given the available evidence, this variant is classified as Likely Pathogenic.

Labcorp Genetics (formerly Invitae), Labcorp
Classification: Pathogenic for Glycogen storage disease, type VII. Last evaluated: 2025-06-17. Review status: criteria provided, single submitter. Criteria: Invitae Variant Classification Sherloc (09022015). Collection method: clinical testing. Allele origin: germline.
Comment: This sequence change creates a premature translational stop signal (p.Arg39*) in the PFKM gene. It is expected to result in an absent or disrupted protein product. Loss-of-function variants in PFKM are known to be pathogenic (PMID: 7825568, 8037209). This variant is not present in population databases (gnomAD no frequency). This variant has not been reported in the literature in individuals affected with PFKM-related conditions. ClinVar contains an entry for this variant (Variation ID: 422391). For these reasons, this variant has been classified as Pathogenic.

Myriad Genetics, Inc.
Classification: Pathogenic for Glycogen storage disease, type VII. Last evaluated: 2024-05-14. Review status: criteria provided, single submitter. Criteria: Myriad Autosomal Dominant, Autosomal Recessive and X-Linked Classification Criteria (2023). Collection method: clinical testing. Allele origin: unknown.
Comment: NM_001166686.1(PFKM):c.328C>T(R110*) is expected to be pathogenic in the context of glycogen storage disease, PFKM-related. This variant is predicted to lead to an abnormal or absent protein product due to the creation of a premature termination codon in PFKM, a gene where loss-of-function variants are known to be pathogenic. Please note: this variant was assessed in the context of healthy population screening.

GeneDx
Classification: Likely pathogenic. Last evaluated: 2016-10-06. Review status: criteria provided, single submitter. Criteria: GeneDx Variant Classification (06012015). Collection method: clinical testing. Allele origin: germline. Affected: yes.
Comment: The R39X likely pathogenic variant in the PFKM gene has not been reported previously as a pathogenic variant nor as a benign variant, to our knowledge. This variant is predicted to cause loss of normal protein function either through protein truncation or nonsense-mediated mRNA decay. The R39X variant was not observed in approximately 6500 individuals of European and African American ancestry in the NHLBI Exome Sequencing Project, indicating it is not a common benign variant in these populations. The R39X variant is a strong candidate for a pathogenic variant, however the possibility it may be a rare benign variant cannot be excluded.

Literature cited by the submitters: PubMed 7825568 (cited by Labcorp Genetics (formerly Invitae), Labcorp); PubMed 8037209 (cited by Labcorp Genetics (formerly Invitae), Labcorp).

NM_000289.6(PFKM):c.115C>T (p.Arg39Ter)

Gene: PFKM (phosphofructokinase, muscle; plus strand). Cytogenetic location: 12q13.11.
Variant type: single nucleotide variant.
Coding change: c.115C>T on transcript NM_000289.6 (MANE Select); coding-DNA position 115, C replaced by T.
Protein change: p.Arg39Ter; replaces arginine 39 with a stop codon.
Molecular consequence: nonsense. On other transcripts: non-coding transcript variant (4), intron variant (2).
Genome position (GRCh38, 1-based): chr12:48,130,392, C>T. VCF-style: chr12-48130392-C-T. GRCh37 (hg19) VCF-style: chr12-48524175-C-T.
Other names: c.328C>T, p.Arg110Ter (NM_001166686.2, NM_001354737.1, NM_001354738.1 and 1 more transcripts); c.115C>T, p.Arg39Ter (NM_001166687.2, NM_001166688.2, NM_001354742.2 and 4 more transcripts); c.424C>T, p.Arg142Ter (NM_001354735.1, NM_001354736.1); c.259C>T, p.Arg87Ter (NM_001354740.1); c.139C>T, p.Arg47Ter (NM_001354741.2); c.28C>T, p.Arg10Ter (NM_001354745.2); c.10-924C>T (NM_001354747.2, NM_001354748.2); short protein forms R110*, R39*, R10*, R47*, R87*, R142*.
Identifiers: ClinVar variation 422391 (VCV000422391.12), dbSNP rs1064795749, ClinGen allele CA16619532.